The following is an entry in ClinVar:

NM_002439.5(MSH3):c.2414C>A (p.Ala805Asp)

Gene: MSH3 (mutS homolog 3; plus strand). Cytogenetic location: 5q14.1.
Variant type: single nucleotide variant.
Coding change: c.2414C>A on transcript NM_002439.5 (MANE Select); coding-DNA position 2414, C replaced by A.
Protein change: p.Ala805Asp; replaces alanine 805 with aspartic acid.
Molecular consequence: missense variant.
Genome position (GRCh38, 1-based): chr5:80,778,815, C>A. VCF-style: chr5-80778815-C-A. GRCh37 (hg19) VCF-style: chr5-80074634-C-A.
Other names: short protein forms A805D.
Identifiers: ClinVar variation 648467 (VCV000648467.14), dbSNP rs1580045688, ClinGen allele CA360281895.
Genomic context (GRCh38, chr5:80,778,815, plus strand): 5'-TTGTAGAAAATTACAGACATCTGAATCAGCTCCGGGAGCAGCTAGTCCTTGACTGCAGTG[C>A]TGAATGGCTTGATTTTCTAGAGTGAGTTTACAATGAAAAAATATAATCTGACTTTTTGCT-3'
Protein context (NP_002430.3, residues 795-815): LREQLVLDCS[Ala805Asp]EWLDFLEKFS

ClinVar aggregate classification (germline): Uncertain significance. Review status: criteria provided, multiple submitters, no conflicts (2 of 4 stars). 2 submissions from 2 submitters: Uncertain significance (2). Last evaluated 2024-11-05.

Conditions:
Hereditary cancer-predisposing syndrome. Also called: Neoplastic Syndromes, Hereditary; Tumor predisposition; Hereditary Cancer Syndrome; Hereditary neoplastic syndrome. Identifiers: Orphanet 140162, MedGen C0027672, MeSH D009386, MONDO:0015356.

Allele frequency attached by ClinVar (database versions not stated): gnomAD exomes below 0.00001.
gnomAD v4.1: 1 of 1,586,904 alleles (0.000063%); highest among the groups gnomAD compares: Non-Finnish European, 0.000087%; no homozygotes.

Submissions (2):

Ambry Genetics
Classification: Uncertain significance for Hereditary cancer-predisposing syndrome. Last evaluated: 2024-11-05. Review status: criteria provided, single submitter. Criteria: Ambry Variant Classification Scheme 2023. Collection method: clinical testing. Allele origin: germline.
Comment: The p.A805D variant (also known as c.2414C>A), located in coding exon 17 of the MSH3 gene, results from a C to A substitution at nucleotide position 2414. The alanine at codon 805 is replaced by aspartic acid, an amino acid with dissimilar properties. This amino acid position is conserved. In addition, the in silico prediction for this alteration is inconclusive. Since supporting evidence is limited at this time, the clinical significance of this alteration remains unclear.

Labcorp Genetics (formerly Invitae), Labcorp
Classification: Uncertain significance. Last evaluated: 2023-03-11. Review status: criteria provided, single submitter. Criteria: Invitae Variant Classification Sherloc (09022015). Collection method: clinical testing. Allele origin: germline.
Comment: In summary, the available evidence is currently insufficient to determine the role of this variant in disease. Therefore, it has been classified as a Variant of Uncertain Significance. ClinVar contains an entry for this variant (Variation ID: 648467). An algorithm developed to predict the effect of missense changes on protein structure and function (PolyPhen-2) suggests that this variant is likely to be tolerated. This sequence change replaces alanine, which is neutral and non-polar, with aspartic acid, which is acidic and polar, at codon 805 of the MSH3 protein (p.Ala805Asp). This variant is not present in population databases (gnomAD no frequency). This variant has not been reported in the literature in individuals affected with MSH3-related conditions.